The following is an entry in ClinVar:

NM_001004356.3(FGFRL1):c.847C>T (p.Arg283Cys)

Gene: FGFRL1 (fibroblast growth factor receptor like 1; plus strand). Cytogenetic location: 4p16.3.
Variant type: single nucleotide variant.
Coding change: c.847C>T on transcript NM_001004356.3 (MANE Select); coding-DNA position 847, C replaced by T.
Protein change: p.Arg283Cys; replaces arginine 283 with cysteine.
Molecular consequence: missense variant.
Genome position (GRCh38, 1-based): chr4:1,024,439, C>T. VCF-style: chr4-1024439-C-T. GRCh37 (hg19) VCF-style: chr4-1018227-C-T.
Other names: c.847C>T, p.Arg283Cys (NM_001004358.1, NM_001370296.1, NM_021923.3); short protein forms R283C.
Identifiers: ClinVar variation 3611705 (VCV003611705.2).

ClinVar aggregate classification (germline): Uncertain significance (1 of 4 stars; one submission).

gnomAD v4.1: 27 of 1,612,418 alleles (0.0017%); highest among the groups gnomAD compares: African/African-American, 0.0027%; no homozygotes.

Submission:

Labcorp Genetics (formerly Invitae), Labcorp
Classification: Uncertain significance. Last evaluated: 2024-08-31. Review status: criteria provided, single submitter. Criteria: Invitae Variant Classification Sherloc (09022015). Collection method: clinical testing. Allele origin: germline.
Comment: This sequence change replaces arginine, which is basic and polar, with cysteine, which is neutral and slightly polar, at codon 283 of the FGFRL1 protein (p.Arg283Cys). This variant is present in population databases (rs777318066, gnomAD 0.0009%). This variant has not been reported in the literature in individuals affected with FGFRL1-related conditions. An algorithm developed to predict the effect of missense changes on protein structure and function (PolyPhen-2) suggests that this variant is likely to be disruptive. In summary, the available evidence is currently insufficient to determine the role of this variant in disease. Therefore, it has been classified as a Variant of Uncertain Significance.